The following is an entry in ClinVar:

ClinVar aggregate classification (germline): Uncertain significance (1 of 4 stars; one submission).

Conditions:
Ehlers-Danlos syndrome, classic type, 1 (EDSCL1). Also called: EHLERS-DANLOS SYNDROME, GRAVIS TYPE; EHLERS-DANLOS SYNDROME, SEVERE CLASSIC TYPE; Ehlers-Danlos syndrome, type 1; Ehlers-Danlos Syndrome, Classic Type, COL5A1-Related; EDS I. Identifiers: MedGen C0268335, MONDO:0019567, OMIM 130000.

Submission:

Labcorp Genetics (formerly Invitae), Labcorp
Classification: Uncertain significance for Ehlers-Danlos syndrome, classic type, 1. Last evaluated: 2023-09-25. Review status: criteria provided, single submitter. Criteria: Invitae Variant Classification Sherloc (09022015). Collection method: clinical testing. Allele origin: germline.
Comment: This sequence change replaces tyrosine, which is neutral and polar, with cysteine, which is neutral and slightly polar, at codon 277 of the COL5A1 protein (p.Tyr277Cys). This variant is not present in population databases (gnomAD no frequency). This variant has not been reported in the literature in individuals affected with COL5A1-related conditions. Advanced modeling of protein sequence and biophysical properties (such as structural, functional, and spatial information, amino acid conservation, physicochemical variation, residue mobility, and thermodynamic stability) performed at Invitae indicates that this missense variant is not expected to disrupt COL5A1 protein function. In summary, the available evidence is currently insufficient to determine the role of this variant in disease. Therefore, it has been classified as a Variant of Uncertain Significance.

NM_000093.5(COL5A1):c.830A>G (p.Tyr277Cys)

Gene: COL5A1 (collagen type V alpha 1 chain; plus strand). Cytogenetic location: 9q34.3.
Variant type: single nucleotide variant.
Coding change: c.830A>G on transcript NM_000093.5 (MANE Select); coding-DNA position 830, A replaced by G.
Protein change: p.Tyr277Cys; replaces tyrosine 277 with cysteine.
Molecular consequence: missense variant.
Genome position (GRCh38, 1-based): chr9:134,728,713, A>G. VCF-style: chr9-134728713-A-G. GRCh37 (hg19) VCF-style: chr9-137620559-A-G.
Other names: c.830A>G, p.Tyr277Cys (NM_001278074.1); short protein forms Y277C.
Identifiers: ClinVar variation 2763293 (VCV002763293.3), dbSNP rs2490492387, ClinGen allele CA375447039.